The following is an entry in ClinVar:

ClinVar aggregate classification (germline): Uncertain significance (1 of 4 stars; one submission).

Conditions:
Muscular dystrophy-dystroglycanopathy (congenital with brain and eye anomalies), type A9. Also called: WALKER-WARBURG SYNDROME OR MUSCLE-EYE BRAIN DISEASE, DAG1-RELATED; Muscular dystrophy-dystroglycanopathy (congenital with brain and eye anomalies), type a, 9. Identifiers: Orphanet 370997, Orphanet 899, MedGen C4225291, MONDO:0014683, OMIM 616538.
Autosomal recessive limb-girdle muscular dystrophy type 2P. Also called: MUSCULAR DYSTROPHY-DYSTROGLYCANOPATHY, LIMB-GIRDLE, DAG1-RELATED; Limb-Girdle Muscular Dystrophy Type 9C; MUSCULAR DYSTROPHY, LIMB-GIRDLE, TYPE 2P. Identifiers: Orphanet 280333, MedGen C4511963, MONDO:0013440, OMIM 613818.

Submission:

Labcorp Genetics (formerly Invitae), Labcorp
Classification: Uncertain significance for Autosomal recessive limb-girdle muscular dystrophy type 2P; Muscular dystrophy-dystroglycanopathy (congenital with brain and eye anomalies), type A9. Last evaluated: 2020-03-18. Review status: criteria provided, single submitter. Criteria: Invitae Variant Classification Sherloc (09022015). Collection method: clinical testing. Allele origin: germline.
Comment: This sequence change replaces proline with alanine at codon 488 of the DAG1 protein (p.Pro488Ala). The proline residue is moderately conserved and there is a small physicochemical difference between proline and alanine. This variant is not present in population databases (ExAC no frequency). This variant has not been reported in the literature in individuals with DAG1-related conditions. Algorithms developed to predict the effect of missense changes on protein structure and function (SIFT, PolyPhen-2, Align-GVGD) all suggest that this variant is likely to be tolerated, but these predictions have not been confirmed by published functional studies and their clinical significance is uncertain. In summary, the available evidence is currently insufficient to determine the role of this variant in disease. Therefore, it has been classified as a Variant of Uncertain Significance.

NM_004393.6(DAG1):c.1462C>G (p.Pro488Ala)

Gene: DAG1 (dystroglycan 1; plus strand). Cytogenetic location: 3p21.31.
Variant type: single nucleotide variant.
Coding change: c.1462C>G on transcript NM_004393.6 (MANE Select); coding-DNA position 1462, C replaced by G.
Protein change: p.Pro488Ala; replaces proline 488 with alanine.
Molecular consequence: missense variant.
Genome position (GRCh38, 1-based): chr3:49,531,973, C>G. VCF-style: chr3-49531973-C-G. GRCh37 (hg19) VCF-style: chr3-49569406-C-G.
Other names: c.1462C>G, p.Pro488Ala (NM_001165928.4, NM_001177634.3, NM_001177635.3 and 9 more transcripts); short protein forms P488A.
Identifiers: ClinVar variation 1063210 (VCV001063210.1), dbSNP rs755443084, ClinGen allele CA352795428.
Genomic context (GRCh38, chr3:49,531,973, plus strand): 5'-ATCACCAGATTGGAAACTGCCTCACCGCCTACTCGTATTCGCACCACCACCAGTGGAGTG[C>G]CCCGTGGCGGAGAACCCAACCAGCGCCCAGAGCTCAAGAACCATATTGACAGGGTAGATG-3'
Protein context (NP_004384.5, residues 478-498): TRIRTTTSGV[Pro488Ala]RGGEPNQRPE